The following is an entry in ClinVar:

NM_001370259.2(MEN1):c.823del (p.Arg275fs)

Gene: MEN1 (menin 1; minus strand). Cytogenetic location: 11q13.1.
Variant type: Deletion.
Coding change: c.823del on transcript NM_001370259.2 (MANE Select); coding-DNA position 823, one base deleted (A; older notation c.823delA).
Protein change: p.Arg275fs; shifts the reading frame from arginine 275.
Molecular consequence: frameshift variant.
Genome position (GRCh38, 1-based): chr11:64,807,180, T deleted on the plus strand (A on the coding strand, the reverse complement: MEN1 is on the minus strand); the first of 3 consecutive T bases (chr11:64,807,180-64,807,182); deleting any one gives the same sequence. VCF-style (leftmost placement, unchanged base first): chr11-64807179-CT-C. GRCh37 (hg19) VCF-style: chr11-64574651-CT-C.
Other names: c.823delA (NM_130799.2); c.838del, p.Arg280fs (NM_000244.4, NM_130800.3, NM_130801.3 and 3 more transcripts); c.823del, p.Arg275fs (NM_001370251.2, NM_001370260.2, NM_001370261.2 and 1 more transcripts); c.718del, p.Arg240fs (NM_001370262.2, NM_001370263.2); short protein forms R240fs, R275fs, R280fs.
Identifiers: ClinVar variation 527280 (VCV000527280.11), dbSNP rs1555165360, ClinGen allele CA658797670.

ClinVar aggregate classification (germline): Pathogenic. Review status: criteria provided, multiple submitters, no conflicts (2 of 4 stars). 2 submissions from 2 submitters: Pathogenic (2). Last evaluated 2021-08-14.

Conditions:
Multiple endocrine neoplasia, type 1 (MEN1). Also called: MEN I; WERMER SYNDROME; Endocrine adenomatosis multiple; MEN 1; MEA I. Identifiers: Orphanet 652, MedGen C0025267, MeSH D018761, MONDO:0007540, OMIM 131100.

Submissions (2):

Labcorp Genetics (formerly Invitae), Labcorp
Classification: Pathogenic for Multiple endocrine neoplasia, type 1. Last evaluated: 2021-08-14. Review status: criteria provided, single submitter. Criteria: Invitae Variant Classification Sherloc (09022015). Collection method: clinical testing. Allele origin: germline.
Comment: This sequence change creates a premature translational stop signal (p.Arg275Glyfs*6) in the MEN1 gene. It is expected to result in an absent or disrupted protein product. This variant is not present in population databases (ExAC no frequency). This variant has been reported in an individual with a personal and/or family history of MEN1-related disease (PMID: 17623761). Loss-of-function variants in MEN1 are known to be pathogenic (PMID: 12112656, 17853334). For these reasons, this variant has been classified as Pathogenic.

Clinical Genetics and Genomics, Karolinska University Hospital
Classification: Pathogenic. Last evaluated: 2015-12-04. Review status: criteria provided, single submitter. Criteria: ACMG Guidelines, 2015. Collection method: clinical testing. Allele origin: germline. Affected: yes. Observed: 1 variant allele.

Literature cited by the submitters: PubMed 17623761 (cited by Labcorp Genetics (formerly Invitae), Labcorp); PubMed 12112656 (cited by Labcorp Genetics (formerly Invitae), Labcorp); PubMed 17853334 (cited by Labcorp Genetics (formerly Invitae), Labcorp).